The following is an entry in ClinVar:

ClinVar aggregate classification (germline): Uncertain significance. Review status: criteria provided, multiple submitters, no conflicts (2 of 4 stars). 2 submissions from 2 submitters: Uncertain significance (2). Last evaluated 2022-10-03.

Conditions:
Inborn genetic diseases. Identifiers: MedGen C0950123, MeSH D030342.
Orthostatic hypotension 1 (ORTHYP1). Also called: Dopamine beta-hydroxylase deficiency; NORADRENALINE DEFICIENCY; NOREPINEPHRINE DEFICIENCY; Orthostatic hypotension 1, due to DBH deficiency. Identifiers: Orphanet 230, MedGen C4746777, MONDO:0009123, OMIM 223360.

Allele frequency attached by ClinVar (database versions not stated): gnomAD exomes below 0.00001 and 0.00001.
gnomAD v4.1: 6 of 1,614,068 alleles (0.00037%); highest among the groups gnomAD compares: Admixed American, 0.0033%; no homozygotes.

Submissions (2):

Labcorp Genetics (formerly Invitae), Labcorp
Classification: Uncertain significance for Orthostatic hypotension 1. Last evaluated: 2022-10-03. Review status: criteria provided, single submitter. Criteria: Invitae Variant Classification Sherloc (09022015). Collection method: clinical testing. Allele origin: germline.
Comment: This sequence change replaces proline, which is neutral and non-polar, with leucine, which is neutral and non-polar, at codon 378 of the DBH protein (p.Pro378Leu). This variant is present in population databases (no rsID available, gnomAD 0.006%). This variant has not been reported in the literature in individuals affected with DBH-related conditions. ClinVar contains an entry for this variant (Variation ID: 1045487). Advanced modeling of protein sequence and biophysical properties (such as structural, functional, and spatial information, amino acid conservation, physicochemical variation, residue mobility, and thermodynamic stability) performed at Invitae indicates that this missense variant is expected to disrupt DBH protein function. In summary, the available evidence is currently insufficient to determine the role of this variant in disease. Therefore, it has been classified as a Variant of Uncertain Significance.

Ambry Genetics
Classification: Uncertain significance for Inborn genetic diseases. Last evaluated: 2021-06-18. Review status: criteria provided, single submitter. Criteria: Ambry Variant Classification Scheme 2023. Collection method: clinical testing. Allele origin: germline.

NM_000787.4(DBH):c.1133C>T (p.Pro378Leu)

Gene: DBH (dopamine beta-hydroxylase; plus strand). Cytogenetic location: 9q34.2.
Variant type: single nucleotide variant.
Coding change: c.1133C>T on transcript NM_000787.4 (MANE Select); coding-DNA position 1133, C replaced by T.
Protein change: p.Pro378Leu; replaces proline 378 with leucine.
Molecular consequence: missense variant.
Genome position (GRCh38, 1-based): chr9:133,647,954, C>T. VCF-style: chr9-133647954-C-T. GRCh37 (hg19) VCF-style: chr9-136513076-C-T.
Other names: c.1133C>T (NM_000787.3); short protein forms P378L.
Identifiers: ClinVar variation 1045487 (VCV001045487.7), dbSNP rs1372358474, ClinGen allele CA375417426.